The following is an entry in ClinVar:

NM_000368.5(TSC1):c.2370C>T (p.Tyr790=)

Gene: TSC1 (TSC complex subunit 1; minus strand). Cytogenetic location: 9q34.13.
Variant type: single nucleotide variant.
Coding change: c.2370C>T on transcript NM_000368.5 (MANE Select); coding-DNA position 2370, C replaced by T.
Protein change: p.Tyr790=; no amino-acid change (tyrosine 790 retained).
Molecular consequence: synonymous variant.
Genome position (GRCh38, 1-based): chr9:132,902,626, G>A on the plus strand (C>T on the coding strand, the complement: TSC1 is on the minus strand). VCF-style: chr9-132902626-G-A. GRCh37 (hg19) VCF-style: chr9-135778013-G-A.
Other names: c.2370C>T (NM_000368.4); c.2367C>T, p.Tyr789= (NM_001162426.2); c.2217C>T, p.Tyr739= (NM_001162427.2); c.2007C>T, p.Tyr669= (NM_001362177.2).
Identifiers: ClinVar variation 1109848 (VCV001109848.12), dbSNP rs1845442273, ClinGen allele CA467590510.

ClinVar aggregate classification (germline): Benign/Likely benign. Review status: criteria provided, multiple submitters, no conflicts (2 of 4 stars). 4 submissions from 4 submitters: Benign (1); Likely benign (3). Last evaluated 2025-10-22.

Conditions:
Tuberous sclerosis syndrome (TSC). Also called: Tuberous sclerosis; Tuberous Sclerosis Complex. Identifiers: Orphanet 805, MedGen C0041341, MONDO:0001734.
Hereditary cancer-predisposing syndrome. Also called: Hereditary neoplastic syndrome; Tumor predisposition; Neoplastic Syndromes, Hereditary; Hereditary Cancer Syndrome. Identifiers: Orphanet 140162, MedGen C0027672, MeSH D009386, MONDO:0015356.
Tuberous sclerosis 1 (TSC1). Identifiers: Orphanet 805, MedGen C1854465, MONDO:0008612, OMIM 191100.

Allele frequency attached by ClinVar (database versions not stated): gnomAD exomes below 0.00001.
gnomAD v4.1: 1 of 1,614,136 alleles (0.000062%); highest among the groups gnomAD compares: East Asian, 0.0022%; no homozygotes.

Submissions (4):

Ambry Genetics
Classification: Likely benign for Hereditary cancer-predisposing syndrome. Last evaluated: 2025-10-22. Review status: criteria provided, single submitter. Criteria: Ambry Variant Classification Scheme 2023. Collection method: clinical testing. Allele origin: germline.

Myriad Genetics, Inc.
Classification: Benign for Tuberous sclerosis 1. Last evaluated: 2025-04-25. Review status: criteria provided, single submitter. Criteria: Myriad Autosomal Dominant, Autosomal Recessive and X-Linked Classification Criteria (2023). Collection method: clinical testing. Allele origin: unknown.
Comment: This variant is considered benign. This variant is a silent/synonymous amino acid change and it is not expected to impact splicing.

Labcorp Genetics (formerly Invitae), Labcorp
Classification: Likely benign for Tuberous sclerosis 1. Last evaluated: 2025-04-21. Review status: criteria provided, single submitter. Criteria: Invitae Variant Classification Sherloc (09022015). Collection method: clinical testing. Allele origin: germline.

All of Us Research Program, National Institutes of Health
Classification: Likely benign for Tuberous sclerosis syndrome. Last evaluated: 2023-11-02. Review status: criteria provided, single submitter. Criteria: ACMG Guidelines, 2015. Collection method: clinical testing. Allele origin: germline. Inheritance: Autosomal dominant inheritance. Observed: 1 variant allele, 1 heterozygote.
Comment: This study involves interpretation of variants in research participants for the purpose of population health screening. Participant phenotype was not available at the time of variant classification. Additional details can be found in publication PMID: 35346344, PMCID: PMC8962531